The following is an entry in ClinVar:

NM_053025.4(MYLK):c.2328G>A (p.Val776=)

Gene: MYLK (myosin light chain kinase; minus strand). Cytogenetic location: 3q21.1.
Variant type: single nucleotide variant.
Coding change: c.2328G>A on transcript NM_053025.4 (MANE Select); coding-DNA position 2328, G replaced by A.
Protein change: p.Val776=; no amino-acid change (valine 776 retained).
Molecular consequence: synonymous variant.
Genome position (GRCh38, 1-based): chr3:123,707,816, C>T on the plus strand (G>A on the coding strand, the complement: MYLK is on the minus strand). VCF-style: chr3-123707816-C-T. GRCh37 (hg19) VCF-style: chr3-123426663-C-T.
Other names: c.1800G>A, p.Val600= (NM_001321309.2); c.2121G>A, p.Val707= (NM_053026.4, NM_053028.4); c.2328G>A, p.Val776= (NM_053027.4).
Identifiers: ClinVar variation 392149 (VCV000392149.26), dbSNP rs1057524371, ClinGen allele CA16604442.

ClinVar aggregate classification (germline): Likely benign. Review status: criteria provided, multiple submitters, no conflicts (2 of 4 stars). 6 submissions from 6 submitters: Likely benign (6). Last evaluated 2025-12-10.

Conditions:
Familial thoracic aortic aneurysm and aortic dissection (TAAD). Also called: Thoracic aortic aneurysms and dissections. Identifiers: Orphanet 91387, MedGen C4707243, MONDO:0019625.
Aortic aneurysm, familial thoracic 7 (AAT7). Also called: AORTIC DISSECTION, FAMILIAL, WITH OR WITHOUT AORTIC ANEURYSM. Identifiers: MedGen C3151077, MONDO:0013418, OMIM 613780.

Allele frequency attached by ClinVar (database versions not stated): gnomAD exomes below 0.00001 and 0.00001; gnomAD 0.00001; TOPMed 0.00003.
gnomAD v4.1: 21 of 1,614,094 alleles (0.0013%); highest among the groups gnomAD compares: Non-Finnish European, 0.0018%; no homozygotes.

Submissions (6):

Labcorp Genetics (formerly Invitae), Labcorp
Classification: Likely benign for Aortic aneurysm, familial thoracic 7. Last evaluated: 2025-12-10. Review status: criteria provided, single submitter. Criteria: Invitae Variant Classification Sherloc (09022015). Collection method: clinical testing. Allele origin: germline.

Women's Health and Genetics/Laboratory Corporation of America, LabCorp
Classification: Likely benign. Last evaluated: 2025-05-30. Review status: criteria provided, single submitter. Criteria: LabCorp Variant Classification Summary - May 2015. Collection method: clinical testing. Allele origin: germline.

CeGaT Center for Human Genetics Tuebingen
Classification: Likely benign. Last evaluated: 2025-03-01. Review status: criteria provided, single submitter. Criteria: CeGaT Center For Human Genetics Tuebingen Variant Classification Criteria Version 2. Collection method: clinical testing. Allele origin: germline. Affected: yes. Observed: 1 variant allele.
Comment: MYLK: BP4

Ambry Genetics
Classification: Likely benign for Familial thoracic aortic aneurysm and aortic dissection. Last evaluated: 2023-03-25. Review status: criteria provided, single submitter. Criteria: Ambry Variant Classification Scheme 2023. Collection method: clinical testing. Allele origin: germline.

CHEO Genetics Diagnostic Laboratory, Children's Hospital of Eastern Ontario
Classification: Likely benign for Familial thoracic aortic aneurysm and aortic dissection. Last evaluated: 2023-01-09. Review status: criteria provided, single submitter. Criteria: ACMG Guidelines, 2015. Collection method: clinical testing. Allele origin: germline.

GeneDx
Classification: Likely benign. Last evaluated: 2021-01-11. Review status: criteria provided, single submitter. Criteria: GeneDx Variant Classification Process June 2021. Collection method: clinical testing. Allele origin: germline. Affected: yes.